The following is an entry in ClinVar:

ClinVar aggregate classification (germline): Pathogenic (1 of 4 stars; one submission).

Conditions:
Cataract 18 (CATC2). Also called: CATARACT 18, AUTOSOMAL RECESSIVE. Identifiers: Orphanet 91492, Orphanet 98991, Orphanet 98992, Orphanet 98995, MedGen C1864908, MONDO:0012395, OMIM 610019.

Submission:

Labcorp Genetics (formerly Invitae), Labcorp
Classification: Pathogenic for Cataract 18. Last evaluated: 2024-12-08. Review status: criteria provided, single submitter. Criteria: Invitae Variant Classification Sherloc (09022015). Collection method: clinical testing. Allele origin: germline.
Comment: This sequence change creates a premature translational stop signal (p.Gln770Serfs*2) in the FYCO1 gene. It is expected to result in an absent or disrupted protein product. Loss-of-function variants in FYCO1 are known to be pathogenic (PMID: 21636066). This variant is not present in population databases (gnomAD no frequency). This variant has not been reported in the literature in individuals affected with FYCO1-related conditions. For these reasons, this variant has been classified as Pathogenic.

Literature cited by the submitters: PubMed 21636066.

NM_024513.4(FYCO1):c.2308del (p.Gln770fs)

Gene: FYCO1 (FYVE and coiled-coil domain autophagy adaptor 1; minus strand). Cytogenetic location: 3p21.31.
Variant type: Deletion.
Coding change: c.2308del on transcript NM_024513.4 (MANE Select); coding-DNA position 2308, one base deleted (C; older notation c.2308delC).
Protein change: p.Gln770fs; shifts the reading frame from glutamine 770.
Molecular consequence: frameshift variant. On other transcripts: non-coding transcript variant (1).
Genome position (GRCh38, 1-based): chr3:45,967,026, G deleted on the plus strand (C on the coding strand, the reverse complement: FYCO1 is on the minus strand); the first of 3 consecutive G bases (chr3:45,967,026-45,967,028); deleting any one gives the same sequence. VCF-style (leftmost placement, unchanged base first): chr3-45967025-TG-T. GRCh37 (hg19) VCF-style: chr3-46008517-TG-T.
Other names: c.2308del, p.Gln770fs (NM_001386421.1, NM_001386422.1, NM_001386423.1 and 4 more transcripts); c.2188del, p.Gln730fs (NM_001386426.1); c.2164del, p.Gln722fs (NM_001386427.1); c.1708del, p.Gln570fs (NM_001386430.1); short protein forms Q730fs, Q570fs, Q722fs, Q770fs.
Identifiers: ClinVar variation 3726918 (VCV003726918.2).